The following is an entry in ClinVar:

ClinVar aggregate classification (germline): Uncertain significance (1 of 4 stars; one submission).

Conditions:
Gastrointestinal stromal tumor. Also called: Gastrointestinal stromal tumor, somatic; Gastrointestinal stroma tumor. Identifiers: Orphanet 44890, MedGen C0238198, MeSH D046152, MONDO:0011719, OMIM 606764, HP:0100723.

Submission:

Labcorp Genetics (formerly Invitae), Labcorp
Classification: Uncertain significance for Gastrointestinal stromal tumor. Last evaluated: 2023-10-09. Review status: criteria provided, single submitter. Criteria: Invitae Variant Classification Sherloc (09022015). Collection method: clinical testing. Allele origin: germline.
Comment: This sequence change replaces aspartic acid, which is acidic and polar, with histidine, which is basic and polar, at codon 1033 of the PDGFRA protein (p.Asp1033His). This variant is not present in population databases (gnomAD no frequency). This variant has not been reported in the literature in individuals affected with PDGFRA-related conditions. Advanced modeling of protein sequence and biophysical properties (such as structural, functional, and spatial information, amino acid conservation, physicochemical variation, residue mobility, and thermodynamic stability) performed at Invitae indicates that this missense variant is not expected to disrupt PDGFRA protein function. In summary, the available evidence is currently insufficient to determine the role of this variant in disease. Therefore, it has been classified as a Variant of Uncertain Significance.

NM_006206.6(PDGFRA):c.3097G>C (p.Asp1033His)

Gene: PDGFRA (platelet derived growth factor receptor alpha; plus strand). Cytogenetic location: 4q12.
Variant type: single nucleotide variant.
Coding change: c.3097G>C on transcript NM_006206.6 (MANE Select); coding-DNA position 3097, G replaced by C.
Protein change: p.Asp1033His; replaces aspartic acid 1033 with histidine.
Molecular consequence: missense variant.
Genome position (GRCh38, 1-based): chr4:54,290,529, G>C. VCF-style: chr4-54290529-G-C. GRCh37 (hg19) VCF-style: chr4-55156696-G-C.
Other names: c.3172G>C, p.Asp1058His (NM_001347828.2); c.3097G>C, p.Asp1033His (NM_001347829.2); c.3136G>C, p.Asp1046His (NM_001347830.2); short protein forms D1033H, D1046H, D1058H.
Identifiers: ClinVar variation 2885965 (VCV002885965.3), dbSNP rs1335871475, ClinGen allele CA356896372.